The following is an entry in ClinVar:

ClinVar aggregate classification (germline): Uncertain significance (1 of 4 stars; one submission).

Submission:

Labcorp Genetics (formerly Invitae), Labcorp
Classification: Uncertain significance. Last evaluated: 2022-06-27. Review status: criteria provided, single submitter. Criteria: Invitae Variant Classification Sherloc (09022015). Collection method: clinical testing. Allele origin: germline.
Comment: This sequence change replaces aspartic acid, which is acidic and polar, with glutamic acid, which is acidic and polar, at codon 168 of the MTMR14 protein (p.Asp168Glu). This variant is not present in population databases (gnomAD no frequency). This variant has not been reported in the literature in individuals affected with MTMR14-related conditions. Algorithms developed to predict the effect of missense changes on protein structure and function (SIFT, PolyPhen-2, Align-GVGD) all suggest that this variant is likely to be tolerated. In summary, the available evidence is currently insufficient to determine the role of this variant in disease. Therefore, it has been classified as a Variant of Uncertain Significance.

NM_001077525.3(MTMR14):c.504T>G (p.Asp168Glu)

Gene: MTMR14 (myotubularin related protein 14; plus strand). Cytogenetic location: 3p25.3.
Variant type: single nucleotide variant.
Coding change: c.504T>G on transcript NM_001077525.3 (MANE Select); coding-DNA position 504, T replaced by G.
Protein change: p.Asp168Glu; replaces aspartic acid 168 with glutamic acid.
Molecular consequence: missense variant.
Genome position (GRCh38, 1-based): chr3:9,669,442, T>G. VCF-style: chr3-9669442-T-G. GRCh37 (hg19) VCF-style: chr3-9711126-T-G.
Other names: c.504T>G, p.Asp168Glu (NM_001077526.3, NM_022485.5); short protein forms D168E.
Identifiers: ClinVar variation 1469929 (VCV001469929.8), dbSNP rs2125116731, ClinGen allele CA351680230.
Genomic context (GRCh38, chr3:9,669,442, plus strand): 5'-GGAGCCCTGGGTCACCAGCCTCAGTACTGACAGATAGGTTTCTCTGGCAGGGGGTGCAGA[T>G]GATGCCTGGGCAGATGTGGAGGACGTCACGGAGGAGGACTGTGCTCTTCGGTCAGTGCTG-3'
Protein context (NP_001070993.1, residues 158-178): GYNYFFSGGA[Asp168Glu]DAWADVEDVT